The following is an entry in ClinVar:

ClinVar aggregate classification (germline): Likely benign. Review status: criteria provided, multiple submitters, no conflicts (2 of 4 stars). 2 submissions from 2 submitters: Likely benign (2). Last evaluated 2022-07-01.

Allele frequency attached by ClinVar (database versions not stated): gnomAD exomes 0.00001; ExAC 0.00002; gnomAD 0.00005.

Submissions (2):

CeGaT Center for Human Genetics Tuebingen
Classification: Likely benign. Last evaluated: 2022-07-01. Review status: criteria provided, single submitter. Criteria: CeGaT Center For Human Genetics Tuebingen Variant Classification Criteria Version 2. Collection method: clinical testing. Allele origin: germline. Affected: yes. Observed: 1 variant allele.
Comment: MUC16: BP4, BP7

Breakthrough Genomics
Classification: Likely benign. Review status: criteria provided, single submitter. Criteria: ACMG Guidelines, 2015. Collection method: not provided. Allele origin: germline. Inheritance: Unknown mechanism. Affected: yes.

NM_001401501.2(MUC16):c.38854C>T (p.Leu12952=)

Gene: MUC16 (mucin 16, cell surface associated; minus strand). Cytogenetic location: 19p13.2.
Variant type: single nucleotide variant.
Coding change: c.38854C>T on transcript NM_001401501.2 (MANE Select); coding-DNA position 38854, C replaced by T.
Protein change: p.Leu12952=; no amino-acid change (leucine 12952 retained).
Molecular consequence: synonymous variant.
Genome position (GRCh38, 1-based): chr19:8,902,100, G>A on the plus strand (C>T on the coding strand, the complement: MUC16 is on the minus strand). VCF-style: chr19-8902100-G-A. GRCh37 (hg19) VCF-style: chr19-9012776-G-A.
Other names: c.39280C>T, p.Leu13094= (NM_001414686.1); c.38734C>T, p.Leu12912= (NM_001414687.1); c.38668C>T, p.Leu12890= (NM_024690.2).
Identifiers: ClinVar variation 2649225 (VCV002649225.25), dbSNP rs760171773, ClinGen allele CA9164457.